The following is an entry in ClinVar:

NM_021100.5(NFS1):c.655+90_655+92del

Gene: NFS1 (NFS1 cysteine desulfurase; minus strand). Cytogenetic location: 20q11.22.
Variant type: Deletion.
Coding change: c.655+90_655+92del on transcript NM_021100.5 (MANE Select); bases 90 to 92 of the intron after coding-DNA position 655, 3 bases deleted (AGT; older notation c.655+90_655+92delAGT).
Molecular consequence: intron variant.
Genome position (GRCh38, 1-based): chr20:35,681,796-35,681,798, ACT deleted on the plus strand (AGT on the coding strand, the reverse complement: NFS1 is on the minus strand); deleting any 3 consecutive bases within chr20:35,681,796-35,681,800 gives the same sequence; the c. name uses the placement nearest the transcript's 3' end. VCF-style (leftmost placement, unchanged base first): chr20-35681795-AACT-A. GRCh37 (hg19) VCF-style: chr20-34269717-AACT-A.
Other names: c.502+90_502+92del (NM_001198989.2).
Identifiers: ClinVar variation 676161 (VCV000676161.1), dbSNP rs11470411, ClinGen allele CA314140300.

ClinVar aggregate classification (germline): Benign (1 of 4 stars; one submission).

Submission:

GeneDx
Classification: Benign. Last evaluated: 2018-06-16. Review status: criteria provided, single submitter. Criteria: GeneDx Variant Classification (06012015). Collection method: clinical testing. Allele origin: germline. Affected: yes.
Comment: This variant is considered likely benign or benign based on one or more of the following criteria: it is a conservative change, it occurs at a poorly conserved position in the protein, it is predicted to be benign by multiple in silico algorithms, and/or has population frequency not consistent with disease.